The following is an entry in ClinVar:

NM_139284.3(LGI4):c.1313A>T (p.Asp438Val)

Gene: LGI4 (leucine rich repeat LGI family member 4; minus strand). Cytogenetic location: 19q13.12.
Variant type: single nucleotide variant.
Coding change: c.1313A>T on transcript NM_139284.3 (MANE Select); coding-DNA position 1313, A replaced by T.
Protein change: p.Asp438Val; replaces aspartic acid 438 with valine.
Molecular consequence: missense variant.
Genome position (GRCh38, 1-based): chr19:35,125,494, T>A on the plus strand (A>T on the coding strand, the complement: LGI4 is on the minus strand). VCF-style: chr19-35125494-T-A. GRCh37 (hg19) VCF-style: chr19-35616398-T-A.
Other names: short protein forms D438V.
Identifiers: ClinVar variation 2530713 (VCV002530713.3), dbSNP rs145856594, ClinGen allele CA9373111.

ClinVar aggregate classification (germline): Uncertain significance. Review status: criteria provided, multiple submitters, no conflicts (2 of 4 stars). 2 submissions from 2 submitters: Uncertain significance (2). Last evaluated 2023-08-28.

Conditions:
Inborn genetic diseases. Identifiers: MedGen C0950123, MeSH D030342.
LGI4-related disorder. Also called: LGI4-related condition.

Allele frequency attached by ClinVar (database versions not stated): ExAC 0.00003; ESP Exome Variant Server 0.00008.
gnomAD v4.1: 12 of 1,561,568 alleles (0.00077%); highest among the groups gnomAD compares: Non-Finnish European, 0.001%; no homozygotes.

Submissions (2):

PreventionGenetics, part of Exact Sciences
Classification: Uncertain significance for LGI4-related condition. Last evaluated: 2023-08-28. Review status: criteria provided, single submitter. Criteria: ACMG Guidelines, 2015. Collection method: clinical testing. Allele origin: germline.
Comment: The LGI4 c.1313A>T variant is predicted to result in the amino acid substitution p.Asp438Val. To our knowledge, this variant has not been reported in the literature. This variant is reported in 0.0031% of alleles in individuals of European (Non-Finnish) descent in gnomAD. At this time, the clinical significance of this variant is uncertain due to the absence of conclusive functional and genetic evidence.

Ambry Genetics
Classification: Uncertain significance for Inborn genetic diseases. Last evaluated: 2023-03-28. Review status: criteria provided, single submitter. Criteria: Ambry Variant Classification Scheme 2023. Collection method: clinical testing. Allele origin: germline.